The following is an entry in ClinVar:

ClinVar aggregate classification (germline): Uncertain significance (1 of 4 stars; one submission).

Allele frequency attached by ClinVar (database versions not stated): gnomAD exomes below 0.00001; TOPMed below 0.00001; gnomAD 0.00001.
gnomAD v4.1: 2 of 1,611,970 alleles (0.00012%); highest among the groups gnomAD compares: Non-Finnish European, 0.00017%; no homozygotes.

Submission:

GeneDx
Classification: Uncertain significance. Last evaluated: 2019-08-08. Review status: criteria provided, single submitter. Criteria: GeneDx Variant Classification Process June 2021. Collection method: clinical testing. Allele origin: germline. Affected: yes.
Comment: Not observed in large population cohorts (Lek et al., 2016); In silico analysis, which includes protein predictors and evolutionary conservation, supports a deleterious effect; Has not been previously published as pathogenic or benign to our knowledge

NM_001005388.3(NFASC):c.1564A>G (p.Thr522Ala)

Gene: NFASC (neurofascin; plus strand). Cytogenetic location: 1q32.1.
Variant type: single nucleotide variant.
Coding change: c.1564A>G on transcript NM_001005388.3 (MANE Select); coding-DNA position 1564, A replaced by G.
Protein change: p.Thr522Ala; replaces threonine 522 with alanine.
Molecular consequence: missense variant. On other transcripts: non-coding transcript variant (1).
Genome position (GRCh38, 1-based): chr1:204,975,276, A>G. VCF-style: chr1-204975276-A-G. GRCh37 (hg19) VCF-style: chr1-204944404-A-G.
Other names: c.1564A>G, p.Thr522Ala (NM_001005389.2, NM_001378329.1); c.1597A>G, p.Thr533Ala (NM_001160331.2, NM_001160332.2, NM_001365986.1 and 3 more transcripts); c.1546A>G, p.Thr516Ala (NM_001160333.2); short protein forms T516A, T522A, T533A.
Identifiers: ClinVar variation 1303304 (VCV001303304.2), dbSNP rs1245601960, ClinGen allele CA344391142.